The following is an entry in ClinVar:

ClinVar aggregate classification (germline): Likely benign. Review status: criteria provided, single submitter (1 of 4 stars). 2 submissions from 2 submitters: Likely benign (1). 1 of the submissions does not count toward it. Last evaluated 2025-06-11.

Conditions:
Mowat-Wilson syndrome (MOWS). Also called: Classic Mowat-Wilson Syndrome. Identifiers: Orphanet 2152, MedGen C1856113, MONDO:0009341, OMIM 235730.
ZEB2-related disorder. Also called: ZEB2-related condition.

Allele frequency attached by ClinVar (database versions not stated): ExAC 0.00001; gnomAD exomes 0.00001; TOPMed 0.00001.
gnomAD v4.1: 11 of 1,612,720 alleles (0.00068%); highest among the groups gnomAD compares: Middle Eastern, 0.017%; no homozygotes.

Submissions (2):

Labcorp Genetics (formerly Invitae), Labcorp
Classification: Likely benign for Mowat-Wilson syndrome. Last evaluated: 2025-06-11. Review status: criteria provided, single submitter. Criteria: Invitae Variant Classification Sherloc (09022015). Collection method: clinical testing. Allele origin: germline.

PreventionGenetics, part of Exact Sciences
Classification: Likely benign for ZEB2-related condition. Last evaluated: 2019-03-20. Review status: no assertion criteria provided. Collection method: clinical testing. Allele origin: germline. Not counted in ClinVar's aggregate classification.
Comment: This variant is classified as likely benign based on ACMG/AMP sequence variant interpretation guidelines (Richards et al. 2015 PMID: 25741868, with internal and published modifications).

NM_014795.4(ZEB2):c.2887-5C>T

Gene: ZEB2 (zinc finger E-box binding homeobox 2; minus strand). Cytogenetic location: 2q22.3.
Variant type: single nucleotide variant.
Coding change: c.2887-5C>T on transcript NM_014795.4 (MANE Select); 5 bases into the intron before coding-DNA position 2887, C replaced by T.
Molecular consequence: intron variant.
Genome position (GRCh38, 1-based): chr2:144,396,597, G>A on the plus strand (C>T on the coding strand, the complement: ZEB2 is on the minus strand). VCF-style: chr2-144396597-G-A. GRCh37 (hg19) VCF-style: chr2-145154164-G-A.
Other names: c.2815-5C>T (NM_001171653.2); c.2887-5C>T (NM_014795.3).
Identifiers: ClinVar variation 2697206 (VCV002697206.5), dbSNP rs755913393, ClinGen allele CA1898177.